The following is an entry in ClinVar:

ClinVar aggregate classification (germline): Pathogenic (1 of 4 stars; one submission).

Conditions:
Fanconi anemia (FA). Also called: Fanconi's anemia. Identifiers: Orphanet 84, MedGen C0015625, MeSH D005199, MONDO:0019391.

Allele frequency attached by ClinVar (database versions not stated): gnomAD 0.00001; TOPMed 0.00001.
gnomAD v4.1: 3 of 1,613,956 alleles (0.00019%); highest among the groups gnomAD compares: Non-Finnish European, 0.00017%; no homozygotes.

Submission:

Labcorp Genetics (formerly Invitae), Labcorp
Classification: Pathogenic for Fanconi anemia. Last evaluated: 2024-05-22. Review status: criteria provided, single submitter. Criteria: Invitae Variant Classification Sherloc (09022015). Collection method: clinical testing. Allele origin: germline.
Comment: This sequence change creates a premature translational stop signal (p.Gln921*) in the FANCI gene. It is expected to result in an absent or disrupted protein product. Loss-of-function variants in FANCI are known to be pathogenic (PMID: 17452773, 17460694). This variant is not present in population databases (gnomAD no frequency). This variant has not been reported in the literature in individuals affected with FANCI-related conditions. ClinVar contains an entry for this variant (Variation ID: 1433081). For these reasons, this variant has been classified as Pathogenic.

Literature cited by the submitters: PubMed 17452773; PubMed 17460694.

NM_001113378.2(FANCI):c.2761C>T (p.Gln921Ter)

Gene: FANCI (FA complementation group I; plus strand). Cytogenetic location: 15q26.1.
Variant type: single nucleotide variant.
Coding change: c.2761C>T on transcript NM_001113378.2 (MANE Select); coding-DNA position 2761, C replaced by T.
Protein change: p.Gln921Ter; replaces glutamine 921 with a stop codon.
Molecular consequence: nonsense.
Genome position (GRCh38, 1-based): chr15:89,299,924, C>T. VCF-style: chr15-89299924-C-T. GRCh37 (hg19) VCF-style: chr15-89843155-C-T.
Other names: c.2482C>T, p.Gln828Ter (NM_001376910.1); c.2761C>T, p.Gln921Ter (NM_001376911.1); c.2581C>T, p.Gln861Ter (NM_018193.3); short protein forms Q861*, Q921*, Q828*.
Identifiers: ClinVar variation 1433081 (VCV001433081.6), dbSNP rs1303324683, ClinGen allele CA393737129.